The following is an entry in ClinVar:

ClinVar aggregate classification (germline): Uncertain significance. Review status: criteria provided, multiple submitters, no conflicts (2 of 4 stars). 3 submissions from 3 submitters: Uncertain significance (2). 1 of the submissions does not count toward it. Last evaluated 2025-08-19.

Conditions:
ATM-related disorder. Also called: ATM-related disorders; ATM-related condition.
Hereditary cancer-predisposing syndrome. Also called: Neoplastic Syndromes, Hereditary; Hereditary Cancer Syndrome; Tumor predisposition; Hereditary neoplastic syndrome. Identifiers: Orphanet 140162, MedGen C0027672, MeSH D009386, MONDO:0015356.
Ataxia-telangiectasia syndrome (AT). Also called: LOUIS-BAR SYNDROME; Cerebello-oculocutaneous telangiectasia; Immunodeficiency with ataxia telangiectasia; Ataxia-telangiectasia, complementation group D; AT, COMPLEMENTATION GROUP C; Ataxia-telangiectasia, complementation group E. Identifiers: Orphanet 100, MedGen C0004135, MONDO:0008840, OMIM 208900.

Submissions (3):

Ambry Genetics
Classification: Uncertain significance for Hereditary cancer-predisposing syndrome. Last evaluated: 2025-08-19. Review status: criteria provided, single submitter. Criteria: Ambry Variant Classification Scheme 2023. Collection method: clinical testing. Allele origin: germline.
Comment: The p.E2479Q variant (also known as c.7435G>C), located in coding exon 49 of the ATM gene, results from a G to C substitution at nucleotide position 7435. The glutamic acid at codon 2479 is replaced by glutamine, an amino acid with highly similar properties. This variant was not reported in population based cohorts in the following databases: Database of Single Nucleotide Polymorphisms (dbSNP), NHLBI Exome Sequencing Project (ESP), and 1000 Genomes Project. In the ESP, this variant was not observed in 6499 samples (12998 alleles) with coverage at this position. To date, this alteration has been detected with an allele frequency of approximately 0.001% (greater than 180000 alleles tested) in our clinical cohort. This amino acid position is not well conserved in available vertebrate species. In addition, this alteration is predicted to be tolerated by in silico analysis. Since supporting evidence is limited at this time, the clinical significance of this alteration remains unclear.

Labcorp Genetics (formerly Invitae), Labcorp
Classification: Uncertain significance for Ataxia-telangiectasia syndrome. Last evaluated: 2024-02-13. Review status: criteria provided, single submitter. Criteria: Invitae Variant Classification Sherloc (09022015). Collection method: clinical testing. Allele origin: germline.
Comment: This sequence change replaces glutamic acid, which is acidic and polar, with glutamine, which is neutral and polar, at codon 2479 of the ATM protein (p.Glu2479Gln). This variant is not present in population databases (gnomAD no frequency). This variant has not been reported in the literature in individuals affected with ATM-related conditions. ClinVar contains an entry for this variant (Variation ID: 407528). An algorithm developed to predict the effect of missense changes on protein structure and function (PolyPhen-2) suggests that this variant is likely to be tolerated. In summary, the available evidence is currently insufficient to determine the role of this variant in disease. Therefore, it has been classified as a Variant of Uncertain Significance.

PreventionGenetics, part of Exact Sciences
Classification: Uncertain significance for ATM-related condition. Last evaluated: 2024-05-02. Review status: no assertion criteria provided. Collection method: clinical testing. Allele origin: germline. Not counted in ClinVar's aggregate classification.
Comment: The ATM c.7435G>C variant is predicted to result in the amino acid substitution p.Glu2479Gln. To our knowledge, this variant has not been reported in the literature or in a large population database, indicating this variant is rare. This variant is interpreted as a variant of uncertain significance in ClinVar. At this time, the clinical significance of this variant is uncertain due to the absence of conclusive functional and genetic evidence.

NM_000051.4(ATM):c.7435G>C (p.Glu2479Gln)

Genes: ATM (ATM serine/threonine kinase; plus strand), C11orf65 (chromosome 11 open reading frame 65; minus strand). Cytogenetic location: 11q22.3.
Variant type: single nucleotide variant.
Coding change: c.7435G>C on transcript NM_000051.4 (MANE Select); coding-DNA position 7435, G replaced by C.
Protein change: p.Glu2479Gln; replaces glutamic acid 2479 with glutamine.
Molecular consequence: missense variant. On other transcripts: intron variant (2).
Genome position (GRCh38, 1-based): chr11:108,330,341, G>C. VCF-style: chr11-108330341-G-C. GRCh37 (hg19) VCF-style: chr11-108201068-G-C.
Other names: c.7435G>C, p.Glu2479Gln (NM_001351834.2); c.641-21270C>G (NM_001330368.2); c.*38+4879C>G (NM_001351110.2); short protein forms E2479Q.
Identifiers: ClinVar variation 407528 (VCV000407528.15), dbSNP rs1060501583, ClinGen allele CA16613491.